The following is an entry in ClinVar:

NM_014704.4(CEP104):c.2364+1G>A

Gene: CEP104 (centrosomal protein 104; minus strand). Cytogenetic location: 1p36.32.
Variant type: single nucleotide variant.
Coding change: c.2364+1G>A on transcript NM_014704.4 (MANE Select); the canonical splice donor site of the intron after coding-DNA position 2364, G replaced by A.
Molecular consequence: splice donor variant.
Genome position (GRCh38, 1-based): chr1:3,825,757, C>T on the plus strand (G>A on the coding strand, the complement: CEP104 is on the minus strand). VCF-style: chr1-3825757-C-T. GRCh37 (hg19) VCF-style: chr1-3742321-C-T.
Identifiers: ClinVar variation 3629940 (VCV003629940.2).

ClinVar aggregate classification (germline): Pathogenic/Likely pathogenic. Review status: criteria provided, multiple submitters, no conflicts (2 of 4 stars). 2 submissions from 2 submitters: Pathogenic (1); Likely pathogenic (1). Last evaluated 2024-11-21.

Conditions:
CEP104-related disorders.
Joubert syndrome and related disorders. Identifiers: Orphanet 140874, MedGen C5679612, MONDO:0015369.

gnomAD v4.1: 34 of 1,605,030 alleles (0.0021%); highest among the groups gnomAD compares: Non-Finnish European, 0.0027%; no homozygotes.

Submissions (2):

Women's Health and Genetics/Laboratory Corporation of America, LabCorp
Classification: Pathogenic for Joubert syndrome and related disorders. Last evaluated: 2024-11-21. Review status: criteria provided, single submitter. Criteria: LabCorp Variant Classification Summary - May 2015. Collection method: clinical testing. Allele origin: germline.
Comment: Variant summary: CEP104 c.2364+1G>A is located in a canonical splice-site and is predicted to affect mRNA splicing resulting in a significantly altered protein due to either exon skipping, shortening, or inclusion of intronic material. Variants that disrupt the consensus splice site are a relatively common cause of aberrant splicing and loss of CEP104 function. Several computational tools predict a significant impact on normal splicing: Four predict the variant abolishes the canonical 5' splicing donor site. At least one publication reports experimental evidence that this variant affects mRNA splicing (Luo_2019). The variant allele was found at a frequency of 8e-06 in 251336 control chromosomes. c.2364+1G>A has been reported in the literature in at-least one individual affected with Joubert Syndrome And Related Disorders (example, Luo_2019). The following publication has been ascertained in the context of this evaluation (PMID: 31625690). No submitters have cited clinical-significance assessments for this variant to ClinVar. Based on the evidence outlined above, the variant was classified as pathogenic.

Blueprint Genetics
Classification: Likely pathogenic for CEP104-related disorders. Last evaluated: 2020-10-13. Review status: criteria provided, single submitter. Criteria: ACMG Guidelines, 2015. Collection method: clinical testing. Allele origin: germline. Affected: yes. Observed: 4 variant alleles.

Literature cited by the submitters: PubMed 31625690 (cited by Women's Health and Genetics/Laboratory Corporation of America, LabCorp).